The following is an entry in ClinVar:

ClinVar aggregate classification (germline): Pathogenic/Likely pathogenic. Review status: criteria provided, multiple submitters, no conflicts (2 of 4 stars). 14 submissions from 14 submitters: Pathogenic (9); Likely pathogenic (2). 3 of the submissions do not count toward it. Last evaluated 2025-12-20.

Conditions:
Cardiac arrhythmia. Also called: Arrhythmia; Cardiac rhythm disease. Identifiers: MedGen C0003811, MONDO:0007263, HP:0011675.
Cardiovascular phenotype. Identifiers: MedGen CN230736.
Familial long QT syndrome (RWS). Also called: Congenital long QT syndrome; Romano-Ward syndrome; VENTRICULAR FIBRILLATION WITH PROLONGED QT INTERVAL. Identifiers: Orphanet 768, MedGen C1141890, MONDO:0019171.
Atrial fibrillation, familial, 3 (ATFB3). Identifiers: MedGen C1837014, MONDO:0011857, OMIM 607554.
Long QT syndrome 1 (LQT1). Identifiers: Orphanet 101016, Orphanet 768, MedGen C4551647, MONDO:0100316, OMIM 192500, MONDO:0008646.
Jervell and Lange-Nielsen syndrome 1 (JLNS1). Also called: CARDIOAUDITORY SYNDROME OF JERVELL AND LANGE-NIELSEN; DEAFNESS, CONGENITAL, AND FUNCTIONAL HEART DISEASE; PROLONGED QT INTERVAL IN EKG AND SUDDEN DEATH; SURDO-CARDIAC SYNDROME. Identifiers: Orphanet 768, Orphanet 90647, MedGen C4551509, MONDO:0024540, OMIM 220400.
Short QT syndrome type 2. Identifiers: Orphanet 51083, MedGen C1865019, MONDO:0012313, OMIM 609621.
Long QT syndrome (LQTS). Identifiers: MedGen C0023976, MeSH D008133, MONDO:0002442. Disease mechanism: loss of function. Inheritance: Various modes of inheritance.

Allele frequency attached by ClinVar (database versions not stated): gnomAD exomes below 0.00001.
gnomAD v4.1: 10 of 1,612,078 alleles (0.00062%); highest among the groups gnomAD compares: Admixed American, 0.0017%; no homozygotes.

Submissions 1 to 6 of 14:

Labcorp Genetics (formerly Invitae), Labcorp
Classification: Pathogenic for Long QT syndrome. Last evaluated: 2025-12-20. Review status: criteria provided, single submitter. Criteria: Invitae Variant Classification Sherloc (09022015). Collection method: clinical testing. Allele origin: germline.
Comment: This sequence change replaces arginine, which is basic and polar, with tryptophan, which is neutral and slightly polar, at codon 190 of the KCNQ1 protein (p.Arg190Trp). The frequency data for this variant in the population databases is considered unreliable, as metrics indicate poor data quality at this position in the gnomAD database. This missense change has been observed in individuals with Jervell and Lange-Nielsen syndrome and/or long QT syndrome (PMID: 16414944, 19841298, 22456477, 22539601, 24218437, 25825456). ClinVar contains an entry for this variant (Variation ID: 53070). Invitae Evidence Modeling of protein sequence and biophysical properties (such as structural, functional, and spatial information, amino acid conservation, physicochemical variation, residue mobility, and thermodynamic stability) indicates that this missense variant is expected to disrupt KCNQ1 protein function with a positive predictive value of 95%. This variant disrupts the p.Arg190 amino acid residue in KCNQ1. Other variant(s) that disrupt this residue have been determined to be pathogenic (PMID: 8528244, 10728423, 20660394, 22629021). This suggests that this residue is clinically significant, and that variants that disrupt this residue are likely to be disease-causing. For these reasons, this variant has been classified as Pathogenic.

Clinical Genomics Laboratory, Washington University in St. Louis
Classification: Pathogenic for Long QT syndrome 1. Last evaluated: 2025-10-24. Review status: criteria provided, single submitter. Criteria: ACMG Guidelines, 2015. Collection method: clinical testing. Allele origin: germline. Affected: yes.
Comment: The KCNQ1 c.568C>T (p.Arg190Trp) variant has been reported in nine individuals affected with Long QT Syndrome (LQTS) (Burgos M et al., PMID: 27251404; Donger C et al., PMID: 9386136; Napolitano C et al., PMID: 16414944; Winkel BG et al., PMID: 22882672). This variant has also been reported in the homozygous state in individuals affected with Jervell and Lange-Nielsen Syndrome (Al-Hassnan ZN et al., PMID: 28438721; Righi D et al., PMID: 37597120). This variant has been reported in the ClinVar database as a germline pathogenic variant by ten submitters, as a likely pathogenic variant by two submitters, and as a variant of uncertain significance by one submitter. This variant is observed in only 10/1,612,078 alleles in the general population (gnomAD v4.1.1), indicating that it is not a common variant. Computational predictors indicate that the variant is damaging, consistent with an impact on KCNQ1 function. Other variants in the same codon (p.Arg190Gln, p.Arg190Leu, p.Arg190Pro) have been reported as pathogenic or likely pathogenic in ClinVar and are associated with LQTS (Variation IDs: 3117, 67084, 237228). Based on available information and the ClinGen Potassium Channel Arrhythmia Expert Panel Specifications to the ACMG/AMP Variant Interpretation Guidelines for KCNQ1 Version 1.0.0, this variant is classified as pathogenic.

Institute of Human Genetics, University of Leipzig Medical Center
Classification: Likely pathogenic for Long QT syndrome 1. Last evaluated: 2025-03-18. Review status: criteria provided, single submitter. Criteria: ACMG Guidelines, 2015. Collection method: clinical testing. Allele origin: maternal. Inheritance: Autosomal dominant inheritance. Affected: yes.
Comment: Criteria applied: PS4_MOD,PM5,PM1_SUP,PP3

Ambry Genetics
Classification: Pathogenic for Cardiovascular phenotype. Last evaluated: 2025-03-13. Review status: criteria provided, single submitter. Criteria: Ambry Variant Classification Scheme 2023. Collection method: clinical testing. Allele origin: germline.
Comment: The p.R190W pathogenic mutation (also known as c.568C>T), located in coding exon 3 of the KCNQ1 gene, results from a C to T substitution at nucleotide position 568. The arginine at codon 190 is replaced by tryptophan, an amino acid with dissimilar properties. This variant was identified in the heterozygous state in one or more individuals with features consistent with long QT syndrome (LQTS) (Napolitano C et al. JAMA. 2005;294(23):2975-80; Jons C et al. J. Cardiovasc Electrophysiol. 2009;20(8):859-65; Winkel BG et al. J. Cardiovasc Electrophysiol. 2012; 23(10):1092-8; Crotti L et al. J Am Coll Cardiol. 2012; 60(24):2515-24; Cuneo BF et al. Circ Arrhythm Electrophysiol. 2013;6(5):946-51; Ambry internal data), and segregated with disease in at least one family (Wang L et al. Europace. 2016;18(4):602-9). This variant has been identified in the homozygous state and/or in conjunction with other KCNQ1 variant(s) in individual(s) with features consistent with autosomal recessive Jervell and Lange-Nielsen syndrome (JLNS) (Winbo A et al. Europace. 2012; 14(12):1799-806; Al-Hassnan ZN et al. Heart Rhythm. 2017;14:1191-1199; Mura M et al. Stem Cell Res. 2018;29:157-161; Righi D et al. Pediatr Cardiol. 2023 Dec;44(8):1736-1740). This amino acid position is highly conserved in available vertebrate species. In addition, this alteration is predicted to be deleterious by in silico analysis. Based on the supporting evidence, this variant is interpreted as a disease-causing mutation.

Molecular Diagnostic Laboratory for Inherited Cardiovascular Disease, Montreal Heart Institute
Classification: Pathogenic for Cardiovascular phenotype. Last evaluated: 2024-04-26. Review status: criteria provided, single submitter. Criteria: ACMG Guidelines, 2015. Collection method: clinical testing. Allele origin: germline. Affected: yes.
Comment: PS4, PM1_strong, PM2, PM3, PM5, PP1, PP2, PP3, PP5

Color Diagnostics, LLC DBA Color Health
Classification: Pathogenic for Cardiac arrhythmia. Last evaluated: 2024-01-18. Review status: criteria provided, single submitter. Criteria: ACMG Guidelines, 2015. Collection method: clinical testing. Allele origin: germline.
Comment: This missense variant replaces arginine with tryptophan at codon 190 of the KCNQ1 protein. This variant is found within the highly conserved cytoplasmic linker region (a.a.169-196). Rare non-truncating variants in this region have been shown to be significantly overrepresented in individuals with long QT syndrome (PMID: 32893267). Computational prediction suggests that this variant may have deleterious impact on protein structure and function (internally defined REVEL score threshold >= 0.7, PMID: 27666373). To our knowledge, functional studies have not been reported for this variant. This variant has been reported in over twenty unrelated heterozygous individuals affected with long QT syndrome (PMID: 25825456, 32893267). This variant has also been observed in homozygous or compound heterozygous state in two individuals affected with autosomal recessive Jervell and Lange-Nielsen syndrome (PMID: 22539601, 28438721), indicating that this variant contributes to disease. Different missense variants occurring at the same codon, p.Arg190Gln and p.Arg190Leu, are known to be pathogenic (ClinVar variation ID: 3117, 67084), indicating that arginine at this position is important for KCNQ1 protein function. This variant has been identified in 1/249344 chromosomes in the general population by the Genome Aggregation Database (gnomAD). Based on the available evidence, this variant is classified as Pathogenic.

NM_000218.3(KCNQ1):c.568C>T (p.Arg190Trp)

Gene: KCNQ1 (potassium voltage-gated channel subfamily Q member 1; plus strand). Cytogenetic location: 11p15.5.
Variant type: single nucleotide variant.
Coding change: c.568C>T on transcript NM_000218.3 (MANE Select); coding-DNA position 568, C replaced by T.
Protein change: p.Arg190Trp; replaces arginine 190 with tryptophan.
Molecular consequence: missense variant.
Genome position (GRCh38, 1-based): chr11:2,570,718, C>T. VCF-style: chr11-2570718-C-T. GRCh37 (hg19) VCF-style: chr11-2591948-C-T.
Other names: c.568C>T (LRG_287t1); c.568C>T, p.Arg190Trp (NM_001406836.1); c.298C>T, p.Arg100Trp (NM_001406837.1); c.187C>T, p.Arg63Trp (NM_181798.2); short protein forms R190W, R63W, R100W.
Identifiers: ClinVar variation 53070 (VCV000053070.30), dbSNP rs199473662, ClinGen allele CA007529.
Genomic context (GRCh38, chr11:2,570,718, plus strand): 5'-GAGTACGTGGTCCGCCTCTGGTCCGCCGGCTGCCGCAGCAAGTACGTGGGCCTCTGGGGG[C>T]GGCTGCGCTTTGCCCGGAAGCCCATTTCCATCATCGGTGAGTCATGCCTGCCCTGTGGAG-3'
Protein context (NP_000209.2, residues 180-200): CRSKYVGLWG[Arg190Trp]LRFARKPISI